The following is an entry in ClinVar:

ClinVar aggregate classification (germline): Conflicting classifications of pathogenicity. Review status: criteria provided, conflicting classifications (1 of 4 stars). 3 submissions from 3 submitters: Uncertain significance (1); Benign (2). Last evaluated 2025-11-07.

Conditions:
Ehlers-Danlos syndrome, classic type, 1 (EDSCL1). Also called: EHLERS-DANLOS SYNDROME, GRAVIS TYPE; EHLERS-DANLOS SYNDROME, SEVERE CLASSIC TYPE; EDS I; Ehlers-Danlos Syndrome, Classic Type, COL5A1-Related; Ehlers-Danlos syndrome, type 1. Identifiers: MedGen C0268335, MONDO:0019567, OMIM 130000.
Familial thoracic aortic aneurysm and aortic dissection (TAAD). Also called: Thoracic aortic aneurysms and dissections. Identifiers: Orphanet 91387, MedGen C4707243, MONDO:0019625.

Allele frequency attached by ClinVar (database versions not stated): gnomAD 0.00001; gnomAD exomes 0.00001 and 0.00004; TOPMed 0.00002; ExAC 0.00002.
gnomAD v4.1: 6 of 1,611,684 alleles (0.00037%); highest among the groups gnomAD compares: East Asian, 0.013%; 1 homozygote.

Submissions (3):

Ambry Genetics
Classification: Benign for Familial thoracic aortic aneurysm and aortic dissection. Last evaluated: 2025-11-07. Review status: criteria provided, single submitter. Criteria: Ambry Variant Classification Scheme 2023. Collection method: clinical testing. Allele origin: germline.

Labcorp Genetics (formerly Invitae), Labcorp
Classification: Benign for Ehlers-Danlos syndrome, classic type, 1. Last evaluated: 2025-07-01. Review status: criteria provided, single submitter. Criteria: Invitae Variant Classification Sherloc (09022015). Collection method: clinical testing. Allele origin: germline.

GeneDx
Classification: Uncertain significance. Last evaluated: 2023-10-23. Review status: criteria provided, single submitter. Criteria: GeneDx Variant Classification Process June 2021. Collection method: clinical testing. Allele origin: germline. Affected: yes.
Comment: In silico analysis supports that this missense variant does not alter protein structure/function; Has not been previously published as pathogenic or benign to our knowledge; Not located in the triple helical region, where the majority of pathogenic missense variants occur (Symoens et al., 2012; HGMD); This variant is associated with the following publications: (PMID: 22696272)

NM_000393.5(COL5A2):c.86A>G (p.Glu29Gly)

Gene: COL5A2 (collagen type V alpha 2 chain; minus strand). Cytogenetic location: 2q32.2.
Variant type: single nucleotide variant.
Coding change: c.86A>G on transcript NM_000393.5 (MANE Select); coding-DNA position 86, A replaced by G.
Protein change: p.Glu29Gly; replaces glutamic acid 29 with glycine.
Molecular consequence: missense variant.
Genome position (GRCh38, 1-based): chr2:189,179,519, T>C on the plus strand (A>G on the coding strand, the complement: COL5A2 is on the minus strand). VCF-style: chr2-189179519-T-C. GRCh37 (hg19) VCF-style: chr2-190044245-T-C.
Other names: c.86A>G (NM_000393.3); short protein forms E29G.
Identifiers: ClinVar variation 1025149 (VCV001025149.12), dbSNP rs780865605, ClinGen allele CA2023209.